The following is an entry in ClinVar:

ClinVar aggregate classification (germline): Benign (1 of 4 stars; one submission).

Allele frequency attached by ClinVar (database versions not stated): gnomAD exomes 0.57844; gnomAD 0.63339 and 0.63582; TOPMed 0.64362; 1000 Genomes Project 0.70208; 1000 Genomes Project 30x 0.70425.
gnomAD v4.1: 132,783 of 215,522 alleles (62%); highest among the groups gnomAD compares: African/African-American, 88%; 43,566 homozygotes.

Submission:

GeneDx
Classification: Benign. Last evaluated: 2020-07-15. Review status: criteria provided, single submitter. Criteria: GeneDx Variant Classification Process June 2021. Collection method: clinical testing. Allele origin: germline. Affected: yes.
Comment: This variant is associated with the following publications: (PMID: 24886876)

NM_001135608.3(ARHGAP26):c.*3558C>T

Gene: ARHGAP26 (Rho GTPase activating protein 26; plus strand). Cytogenetic location: 5q31.3.
Variant type: single nucleotide variant.
Coding change: c.*3558C>T on transcript NM_001135608.3 (MANE Select); 3558 bases downstream of the stop codon, C replaced by T.
Molecular consequence: 3 prime UTR variant. On other transcripts: non-coding transcript variant (1).
Genome position (GRCh38, 1-based): chr5:143,226,004, C>T. VCF-style: chr5-143226004-C-T. GRCh37 (hg19) VCF-style: chr5-142605569-C-T.
Other names: c.*3558C>T (NM_001349547.2, NM_015071.6).
Identifiers: ClinVar variation 1250331 (VCV001250331.2), dbSNP rs187729, ClinGen allele CA15365217.